The following is an entry in ClinVar:

ClinVar aggregate classification (germline): Uncertain significance (1 of 4 stars; one submission).

Conditions:
Neurodevelopmental disorder with hypotonia and dysmorphic facies. Identifiers: MedGen C5561974, MONDO:0859185, OMIM 619503.

Submission:

Victorian Clinical Genetics Services, Murdoch Childrens Research Institute
Classification: Uncertain significance for Neurodevelopmental disorder with hypotonia and dysmorphic facies. Last evaluated: 2022-09-02. Review status: criteria provided, single submitter. Criteria: ACMG Guidelines, 2015. Collection method: clinical testing. Allele origin: germline. Inheritance: Autosomal dominant inheritance. Affected: yes.
Comment: Based on the classification scheme VCGS_Germline_v1.3.4, this variant is classified as VUS-3B. Following criteria are met: 0105 - The mechanism of disease for this gene is not clearly established. (I) 0107 - This gene is associated with autosomal dominant disease. (I) 0200 - Variant is predicted to result in a missense amino acid change from leucine to phenylalanine. (I) 0251 - This variant is heterozygous. (I) 0301 - Variant is absent from gnomAD (both v2 and v3). (SP) 0309 - An alternative amino acid change at the same position has been observed in gnomAD (v2: 1 heterozygote, 0 homozygotes). (I) 0503 - Missense variant consistently predicted to be tolerated by multiple in silico tools or not conserved in placental mammals with a minor amino acid change. (SB) 0604 - Variant is not located in an established domain, motif, hotspot or informative constraint region. (I) 0705 - No comparable missense variants have previous evidence for pathogenicity. (I) 0807 - This variant has no previous evidence of pathogenicity. (I) 0905 - No published segregation evidence has been identified for this variant. (I) 1007 - No published functional evidence has been identified for this variant. (I) 1208 - Inheritance information for this variant is not currently available in this individual. (I) Legend: (SP) - Supporting pathogenic, (I) - Information, (SB) - Supporting benign

NM_005273.4(GNB2):c.784C>T (p.Leu262Phe)

Gene: GNB2 (G protein subunit beta 2; plus strand). Cytogenetic location: 7q22.1.
Variant type: single nucleotide variant.
Coding change: c.784C>T on transcript NM_005273.4 (MANE Select); coding-DNA position 784, C replaced by T.
Protein change: p.Leu262Phe; replaces leucine 262 with phenylalanine.
Molecular consequence: missense variant.
Genome position (GRCh38, 1-based): chr7:100,678,482, C>T. VCF-style: chr7-100678482-C-T. GRCh37 (hg19) VCF-style: chr7-100276105-C-T.
Other names: short protein forms L262F.
Identifiers: ClinVar variation 1805976 (VCV001805976.1), dbSNP rs1362596396, ClinGen allele CA368519917.
Genomic context (GRCh38, chr7:100,678,482, plus strand): 5'-ACCACCGGCTCTGACGACGCCACGTGCCGCCTCTTCGACCTGCGGGCCGATCAGGAGCTC[C>T]TCATGTACTCCCATGACAACATCATCTGTGGCATCACCTCTGTTGCCTTCTCGCGCAGCG-3'
Protein context (NP_005264.2, residues 252-272): LFDLRADQEL[Leu262Phe]MYSHDNIICG